The following is an entry in ClinVar:

ClinVar aggregate classification (germline): Uncertain significance (1 of 4 stars; one submission).

Submission:

Labcorp Genetics (formerly Invitae), Labcorp
Classification: Uncertain significance. Last evaluated: 2023-05-09. Review status: criteria provided, single submitter. Criteria: Invitae Variant Classification Sherloc (09022015). Collection method: clinical testing. Allele origin: germline.
Comment: This variant has not been reported in the literature in individuals affected with ASRGL1-related conditions. An algorithm developed to predict the effect of missense changes on protein structure and function (PolyPhen-2) suggests that this variant is likely to be disruptive. In summary, the available evidence is currently insufficient to determine the role of this variant in disease. Therefore, it has been classified as a Variant of Uncertain Significance. This variant is not present in population databases (gnomAD no frequency). This sequence change replaces cysteine, which is neutral and slightly polar, with tyrosine, which is neutral and polar, at codon 202 of the ASRGL1 protein (p.Cys202Tyr).

NM_001083926.2(ASRGL1):c.605G>A (p.Cys202Tyr)

Gene: ASRGL1 (asparaginase and isoaspartyl peptidase 1; plus strand). Cytogenetic location: 11q12.3.
Variant type: single nucleotide variant.
Coding change: c.605G>A on transcript NM_001083926.2 (MANE Select); coding-DNA position 605, G replaced by A.
Protein change: p.Cys202Tyr; replaces cysteine 202 with tyrosine.
Molecular consequence: missense variant.
Genome position (GRCh38, 1-based): chr11:62,389,246, G>A. VCF-style: chr11-62389246-G-A. GRCh37 (hg19) VCF-style: chr11-62156718-G-A.
Other names: c.605G>A, p.Cys202Tyr (NM_025080.4); short protein forms C202Y.
Identifiers: ClinVar variation 2845817 (VCV002845817.3), dbSNP rs2495330559, ClinGen allele CA380870587.
Genomic context (GRCh38, chr11:62,389,246, plus strand): 5'-ACGCAACCTCCACAGGCGGTATCGTTAATAAAATGGTCGGCCGCGTTGGGGACTCACCGT[G>A]TCTAGGTAGGACCAAGGGATGCCTCCTGCCCCTTCCCCTCTTCTCCCGCCCTCAGGCTTT-3'
Protein context (NP_001077395.1, residues 192-212): KMVGRVGDSP[Cys202Tyr]LGAGGYADND